The following is an entry in ClinVar:

ClinVar aggregate classification (germline): Uncertain significance (1 of 4 stars; one submission).

Allele frequency attached by ClinVar (database versions not stated): gnomAD exomes below 0.00001.
gnomAD v4.1: 3 of 1,614,174 alleles (0.00019%); highest among the groups gnomAD compares: South Asian, 0.0011%; no homozygotes.

Submission:

Ambry Genetics
Classification: Uncertain significance. Last evaluated: 2022-08-11. Review status: criteria provided, single submitter. Criteria: Ambry Variant Classification Scheme 2023. Collection method: clinical testing. Allele origin: germline.
Comment: The p.A135V variant (also known as c.404C>T), located in coding exon 6 of the NPAT gene, results from a C to T substitution at nucleotide position 404. The alanine at codon 135 is replaced by valine, an amino acid with similar properties. This amino acid position is conserved. In addition, this alteration is predicted to be tolerated by in silico analysis. Since supporting evidence is limited at this time, the clinical significance of this alteration remains unclear.

NM_002519.3(NPAT):c.404C>T (p.Ala135Val)

Gene: NPAT (nuclear protein, coactivator of histone transcription; minus strand). Cytogenetic location: 11q22.3.
Variant type: single nucleotide variant.
Coding change: c.404C>T on transcript NM_002519.3 (MANE Select); coding-DNA position 404, C replaced by T.
Protein change: p.Ala135Val; replaces alanine 135 with valine.
Molecular consequence: missense variant.
Genome position (GRCh38, 1-based): chr11:108,189,258, G>A on the plus strand (C>T on the coding strand, the complement: NPAT is on the minus strand). VCF-style: chr11-108189258-G-A. GRCh37 (hg19) VCF-style: chr11-108059985-G-A.
Other names: c.404C>T, p.Ala135Val (NM_001321307.1); short protein forms A135V.
Identifiers: ClinVar variation 1737350 (VCV001737350.2), dbSNP rs2496745772, ClinGen allele CA382525028.
Genomic context (GRCh38, chr11:108,189,258, plus strand): 5'-GTACCTGTGGAAGGAGGAGTGGTAAACTGTCCTGAAAGGTAAGGTAAAGTGAGCAACTCT[G>A]CACTGGCTGGAGCTGTTTGAGATGCAAGCTTTCTCTGCCGTTTGATTTCTGCAATTCCAG-3'
Protein context (NP_002510.2, residues 125-145): KLASQTAPAS[Ala135Val]ELLTLPYLSG